The following is an entry in ClinVar:

NM_032043.3(BRIP1):c.1076T>C (p.Ile359Thr)

Gene: BRIP1 (BRCA1 interacting DNA helicase 1; minus strand). Cytogenetic location: 17q23.2.
Variant type: single nucleotide variant.
Coding change: c.1076T>C on transcript NM_032043.3 (MANE Select); coding-DNA position 1076, T replaced by C.
Protein change: p.Ile359Thr; replaces isoleucine 359 with threonine.
Molecular consequence: missense variant.
Genome position (GRCh38, 1-based): chr17:61,801,317, A>G on the plus strand (T>C on the coding strand, the complement: BRIP1 is on the minus strand). VCF-style: chr17-61801317-A-G. GRCh37 (hg19) VCF-style: chr17-59878678-A-G.
Other names: short protein forms I359T.
Identifiers: ClinVar variation 1515101 (VCV001515101.9), dbSNP rs2145334735, ClinGen allele CA400483986.

ClinVar aggregate classification (germline): Uncertain significance (1 of 4 stars; one submission).

Conditions:
Familial cancer of breast. Also called: hereditary breast carcinoma; Hereditary breast cancer; BREAST CANCER, FAMILIAL. Identifiers: Orphanet 227535, MedGen C0346153, MONDO:0016419, OMIM 114480. Disease mechanism: loss of function.
Fanconi anemia complementation group J. Also called: BRIP1-Related Fanconi Anemia. Identifiers: Orphanet 84, MedGen C1836860, MONDO:0012187, OMIM 609054.

Allele frequency attached by ClinVar (database versions not stated): gnomAD exomes below 0.00001.
gnomAD v4.1: 1 of 1,614,050 alleles (0.000062%); highest among the groups gnomAD compares: Non-Finnish European, 0.000085%; no homozygotes.

Submission:

Labcorp Genetics (formerly Invitae), Labcorp
Classification: Uncertain significance for Familial cancer of breast; Fanconi anemia complementation group J. Last evaluated: 2022-09-06. Review status: criteria provided, single submitter. Criteria: Invitae Variant Classification Sherloc (09022015). Collection method: clinical testing. Allele origin: germline.
Comment: This sequence change replaces isoleucine, which is neutral and non-polar, with threonine, which is neutral and polar, at codon 359 of the BRIP1 protein (p.Ile359Thr). This variant is not present in population databases (gnomAD no frequency). This variant has not been reported in the literature in individuals affected with BRIP1-related conditions. ClinVar contains an entry for this variant (Variation ID: 1515101). Algorithms developed to predict the effect of missense changes on protein structure and function output the following: SIFT: "Tolerated"; PolyPhen-2: "Benign"; Align-GVGD: "Class C0". The threonine amino acid residue is found in multiple mammalian species, which suggests that this missense change does not adversely affect protein function. In summary, the available evidence is currently insufficient to determine the role of this variant in disease. Therefore, it has been classified as a Variant of Uncertain Significance.